The following is an entry in ClinVar:

NM_001276270.2(MBD4):c.336-11del

Gene: MBD4 (methyl-CpG binding domain 4, DNA glycosylase; minus strand). Cytogenetic location: 3q21.3.
Variant type: Deletion.
Coding change: c.336-11del on transcript NM_001276270.2 (MANE Select); 11 bases into the intron before coding-DNA position 336, one base deleted (T; older notation c.336-11delT).
Molecular consequence: intron variant.
Genome position (GRCh38, 1-based): chr3:129,437,319, A deleted on the plus strand (T on the coding strand, the reverse complement: MBD4 is on the minus strand). VCF-style (leftmost placement, unchanged base first): chr3-129437318-GA-G. GRCh37 (hg19) VCF-style: chr3-129156161-GA-G.
Other names: c.247+489del (NM_001276273.2); c.336-11del (NM_001276272.2, NM_003925.3, NM_001276271.2).
Identifiers: ClinVar variation 2789653 (VCV002789653.3), dbSNP rs2530724531, ClinGen allele CA2667583171.

ClinVar aggregate classification (germline): Uncertain significance (1 of 4 stars; one submission).

Allele frequency attached by ClinVar (database versions not stated): gnomAD exomes below 0.00001.

Submission:

Labcorp Genetics (formerly Invitae), Labcorp
Classification: Uncertain significance. Last evaluated: 2025-01-22. Review status: criteria provided, single submitter. Criteria: Invitae Variant Classification Sherloc (09022015). Collection method: clinical testing. Allele origin: germline.
Comment: This sequence change falls in intron 2 of the MBD4 gene. It does not directly change the encoded amino acid sequence of the MBD4 protein. This variant is not present in population databases (gnomAD no frequency). This variant has not been reported in the literature in individuals affected with MBD4-related conditions. ClinVar contains an entry for this variant (Variation ID: 2789653). Algorithms developed to predict the effect of sequence changes on RNA splicing suggest that this variant may disrupt the consensus splice site. In summary, the available evidence is currently insufficient to determine the role of this variant in disease. Therefore, it has been classified as a Variant of Uncertain Significance.